The following is an entry in ClinVar:

NM_001999.4(FBN2):c.1257T>A (p.Asp419Glu)

Gene: FBN2 (fibrillin 2; minus strand). Cytogenetic location: 5q23.3.
Variant type: single nucleotide variant.
Coding change: c.1257T>A on transcript NM_001999.4 (MANE Select); coding-DNA position 1257, T replaced by A.
Protein change: p.Asp419Glu; replaces aspartic acid 419 with glutamic acid.
Molecular consequence: missense variant.
Genome position (GRCh38, 1-based): chr5:128,393,343, A>T on the plus strand (T>A on the coding strand, the complement: FBN2 is on the minus strand). VCF-style: chr5-128393343-A-T. GRCh37 (hg19) VCF-style: chr5-127729036-A-T.
Other names: short protein forms D419E.
Identifiers: ClinVar variation 1762204 (VCV001762204.2), dbSNP rs2479438058, ClinGen allele CA360750072.

ClinVar aggregate classification (germline): Uncertain significance (1 of 4 stars; one submission).

Conditions:
Familial thoracic aortic aneurysm and aortic dissection (TAAD). Also called: Thoracic aortic aneurysms and dissections. Identifiers: Orphanet 91387, MedGen C4707243, MONDO:0019625.

Submission:

Ambry Genetics
Classification: Uncertain significance for Familial thoracic aortic aneurysm and aortic dissection. Last evaluated: 2018-09-05. Review status: criteria provided, single submitter. Criteria: Ambry Variant Classification Scheme 2023. Collection method: clinical testing. Allele origin: germline.
Comment: The p.D419E variant (also known as c.1257T>A), located in coding exon 10 of the FBN2 gene, results from a T to A substitution at nucleotide position 1257. The aspartic acid at codon 419 is replaced by glutamic acid, an amino acid with highly similar properties. This amino acid position is highly conserved in available vertebrate species; however, glutamic acid is the reference amino acid in other vertebrate species. In addition, this alteration is predicted to be tolerated by in silico analysis. Since supporting evidence is limited at this time, the clinical significance of this alteration remains unclear.